The following is an entry in ClinVar:

NM_007126.5(VCP):c.1144C>G (p.Gln382Glu)

Gene: VCP (valosin containing protein; minus strand). Cytogenetic location: 9p13.3.
Variant type: single nucleotide variant.
Coding change: c.1144C>G on transcript NM_007126.5 (MANE Select); coding-DNA position 1144, C replaced by G.
Protein change: p.Gln382Glu; replaces glutamine 382 with glutamic acid.
Molecular consequence: missense variant.
Genome position (GRCh38, 1-based): chr9:35,061,627, G>C on the plus strand (C>G on the coding strand, the complement: VCP is on the minus strand). VCF-style: chr9-35061627-G-C. GRCh37 (hg19) VCF-style: chr9-35061624-G-C.
Other names: c.1009C>G, p.Gln337Glu (NM_001354927.2, NM_001354928.2); c.1144C>G (NM_007126.3); short protein forms Q337E, Q382E.
Identifiers: ClinVar variation 1022767 (VCV001022767.12), dbSNP rs1828722725, ClinGen allele CA373283196.
Genomic context (GRCh38, chr9:35,061,627, plus strand): 5'-ATCACTTCACCTGTTCCAGGTCCACATCATCTGCCAGCTTCATGTTCTTGGTATGGATCT[G>C]AAGAATCTCTAAGCGTCCTGTAGCATCAGGAATTCCAATATCTACCTCCCTGTCAAAGCG-3'
Protein context (NP_009057.1, residues 372-392): PDATGRLEIL[Gln382Glu]IHTKNMKLAD

ClinVar aggregate classification (germline): Uncertain significance. Review status: criteria provided, multiple submitters, no conflicts (2 of 4 stars). 3 submissions from 3 submitters: Uncertain significance (3). Last evaluated 2024-11-27.

Conditions:
Frontotemporal dementia and/or amyotrophic lateral sclerosis 6 (FTDALS6). Also called: VCP-Related Amyotrophic Lateral Sclerosis/Frontotemporal Dementia; VCP-Related Amyotrophic Lateral Sclerosis. Identifiers: Orphanet 275872, Orphanet 803, MedGen C5436279, MONDO:0013501, OMIM 613954.
Inclusion body myopathy with Paget disease of bone and frontotemporal dementia. Also called: Inclusion body myopathy with early-onset Paget disease and frontotemporal dementia. Identifiers: Orphanet 52430, MedGen C1833662, MONDO:0000507.

Submissions (3):

GeneDx
Classification: Uncertain significance. Last evaluated: 2024-11-27. Review status: criteria provided, single submitter. Criteria: GeneDx Variant Classification Process June 2021. Collection method: clinical testing. Allele origin: germline.
Comment: Not observed at significant frequency in large population cohorts (gnomAD); In silico analysis indicates that this missense variant does not alter protein structure/function; Has not been previously published as pathogenic or benign to our knowledge

Labcorp Genetics (formerly Invitae), Labcorp
Classification: Uncertain significance for Inclusion body myopathy with Paget disease of bone and frontotemporal dementia; Frontotemporal dementia and/or amyotrophic lateral sclerosis 6. Last evaluated: 2022-09-19. Review status: criteria provided, single submitter. Criteria: Invitae Variant Classification Sherloc (09022015). Collection method: clinical testing. Allele origin: germline.
Comment: In summary, the available evidence is currently insufficient to determine the role of this variant in disease. Therefore, it has been classified as a Variant of Uncertain Significance. Advanced modeling of protein sequence and biophysical properties (such as structural, functional, and spatial information, amino acid conservation, physicochemical variation, residue mobility, and thermodynamic stability) performed at Invitae indicates that this missense variant is not expected to disrupt VCP protein function. ClinVar contains an entry for this variant (Variation ID: 1022767). This variant has not been reported in the literature in individuals affected with VCP-related conditions. This variant is not present in population databases (gnomAD no frequency). This sequence change replaces glutamine, which is neutral and polar, with glutamic acid, which is acidic and polar, at codon 382 of the VCP protein (p.Gln382Glu).

Revvity Omics, Revvity
Classification: Uncertain significance. Last evaluated: 2019-04-27. Review status: criteria provided, single submitter. Criteria: ACMG Guidelines, 2015. Collection method: clinical testing. Allele origin: germline.